The following is an entry in ClinVar:

ClinVar aggregate classification (germline): Likely pathogenic (1 of 4 stars; one submission).

Conditions:
Kabuki syndrome. Also called: NIIKAWA-KUROKI SYNDROME; Kabuki make-up syndrome. Identifiers: Orphanet 2322, MedGen C0796004, MONDO:0016512.

Submission:

Labcorp Genetics (formerly Invitae), Labcorp
Classification: Likely pathogenic for Kabuki syndrome. Last evaluated: 2022-08-10. Review status: criteria provided, single submitter. Criteria: Invitae Variant Classification Sherloc (09022015). Collection method: clinical testing. Allele origin: germline.
Comment: This variant is not present in population databases (gnomAD no frequency). This sequence change affects an acceptor splice site in intron 51 of the KMT2D gene. It is expected to disrupt RNA splicing. Variants that disrupt the donor or acceptor splice site typically lead to a loss of protein function (PMID: 16199547), and loss-of-function variants in KMT2D are known to be pathogenic (PMID: 22126750). In summary, the currently available evidence indicates that the variant is pathogenic, but additional data are needed to prove that conclusively. Therefore, this variant has been classified as Likely Pathogenic. Algorithms developed to predict the effect of sequence changes on RNA splicing suggest that this variant may disrupt the consensus splice site. Disruption of this splice site has been observed in individual(s) with clinical features of Kabuki syndrome (Invitae).

Literature cited by the submitters: PubMed 16199547; PubMed 22126750.

NM_003482.4(KMT2D):c.16339-2A>C

Gene: KMT2D (lysine methyltransferase 2D; minus strand). Cytogenetic location: 12q13.12.
Variant type: single nucleotide variant.
Coding change: c.16339-2A>C on transcript NM_003482.4 (MANE Select); the canonical splice acceptor site of the intron before coding-DNA position 16339, A replaced by C.
Molecular consequence: splice acceptor variant.
Genome position (GRCh38, 1-based): chr12:49,022,355, T>G on the plus strand (A>C on the coding strand, the complement: KMT2D is on the minus strand). VCF-style: chr12-49022355-T-G. GRCh37 (hg19) VCF-style: chr12-49416138-T-G.
Identifiers: ClinVar variation 2133166 (VCV002133166.4), dbSNP rs2499024618, ClinGen allele CA384677250.